The following is an entry in ClinVar:

NM_153240.5(NPHP3):c.896C>G (p.Thr299Ser)

Genes: NPHP3-ACAD11 (NPHP3-ACAD11 readthrough (NMD candidate); minus strand), NPHP3 (nephrocystin 3; minus strand). Cytogenetic location: 3q22.1.
Variant type: single nucleotide variant.
Coding change: c.896C>G on transcript NM_153240.5 (MANE Select); coding-DNA position 896, C replaced by G.
Protein change: p.Thr299Ser; replaces threonine 299 with serine.
Molecular consequence: missense variant. On other transcripts: non-coding transcript variant (1).
Genome position (GRCh38, 1-based): chr3:132,715,146, G>C on the plus strand (C>G on the coding strand, the complement: NPHP3 is on the minus strand). VCF-style: chr3-132715146-G-C. GRCh37 (hg19) VCF-style: chr3-132433990-G-C.
Other names: short protein forms T299S.
Identifiers: ClinVar variation 1412134 (VCV001412134.6), dbSNP rs1940015669, ClinGen allele CA354586150.

ClinVar aggregate classification (germline): Uncertain significance (1 of 4 stars; one submission).

Conditions:
Nephronophthisis. Also called: Juvenile Nephronophthisis. Identifiers: Orphanet 655, MedGen C0687120, MONDO:0019005, HP:0000090.

Submission:

Labcorp Genetics (formerly Invitae), Labcorp
Classification: Uncertain significance for Nephronophthisis. Last evaluated: 2024-10-16. Review status: criteria provided, single submitter. Criteria: Invitae Variant Classification Sherloc (09022015). Collection method: clinical testing. Allele origin: germline.
Comment: This sequence change replaces threonine, which is neutral and polar, with serine, which is neutral and polar, at codon 299 of the NPHP3 protein (p.Thr299Ser). This variant is not present in population databases (gnomAD no frequency). This variant has not been reported in the literature in individuals affected with NPHP3-related conditions. ClinVar contains an entry for this variant (Variation ID: 1412134). Invitae Evidence Modeling of protein sequence and biophysical properties (such as structural, functional, and spatial information, amino acid conservation, physicochemical variation, residue mobility, and thermodynamic stability) indicates that this missense variant is not expected to disrupt NPHP3 protein function with a negative predictive value of 80%. In summary, the available evidence is currently insufficient to determine the role of this variant in disease. Therefore, it has been classified as a Variant of Uncertain Significance.